The following is an entry in ClinVar:

ClinVar aggregate classification (germline): Uncertain significance (1 of 4 stars; one submission).

Allele frequency attached by ClinVar (database versions not stated): gnomAD exomes below 0.00001.
gnomAD v4.1: 2 of 1,613,392 alleles (0.00012%); highest among the groups gnomAD compares: African/African-American, 0.0027%; no homozygotes.

Submission:

Labcorp Genetics (formerly Invitae), Labcorp
Classification: Uncertain significance. Last evaluated: 2023-06-21. Review status: criteria provided, single submitter. Criteria: Invitae Variant Classification Sherloc (09022015). Collection method: clinical testing. Allele origin: germline.
Comment: In summary, the available evidence is currently insufficient to determine the role of this variant in disease. Therefore, it has been classified as a Variant of Uncertain Significance. Advanced modeling of protein sequence and biophysical properties (such as structural, functional, and spatial information, amino acid conservation, physicochemical variation, residue mobility, and thermodynamic stability) performed at Invitae indicates that this missense variant is not expected to disrupt ANK3 protein function. This variant has not been reported in the literature in individuals affected with ANK3-related conditions. This variant is not present in population databases (gnomAD no frequency). This sequence change replaces aspartic acid, which is acidic and polar, with tyrosine, which is neutral and polar, at codon 2783 of the ANK3 protein (p.Asp2783Tyr).

NM_020987.5(ANK3):c.8347G>T (p.Asp2783Tyr)

Gene: ANK3 (ankyrin 3; minus strand). Cytogenetic location: 10q21.2.
Variant type: single nucleotide variant.
Coding change: c.8347G>T on transcript NM_020987.5 (MANE Select); coding-DNA position 8347, G replaced by T.
Protein change: p.Asp2783Tyr; replaces aspartic acid 2783 with tyrosine.
Molecular consequence: missense variant. On other transcripts: intron variant (4).
Genome position (GRCh38, 1-based): chr10:60,072,534, C>A on the plus strand (G>T on the coding strand, the complement: ANK3 is on the minus strand). VCF-style: chr10-60072534-C-A. GRCh37 (hg19) VCF-style: chr10-61832292-C-A.
Other names: c.4388-4525G>T (NM_001204403.2); c.4409-4525G>T (NM_001204404.2); c.4406-4525G>T (NM_001320874.2); c.1808-4525G>T (NM_001149.4); short protein forms D2783Y.
Identifiers: ClinVar variation 2970930 (VCV002970930.3), dbSNP rs2082929861, ClinGen allele CA377008046.